The following is an entry in ClinVar:

NM_002225.5(IVD):c.456+1G>A

Gene: IVD (isovaleryl-CoA dehydrogenase; plus strand). Cytogenetic location: 15q15.1.
Variant type: single nucleotide variant.
Coding change: c.456+1G>A on transcript NM_002225.5 (MANE Select); the canonical splice donor site of the intron after coding-DNA position 456, G replaced by A.
Molecular consequence: splice donor variant.
Genome position (GRCh38, 1-based): chr15:40,410,798, G>A. VCF-style: chr15-40410798-G-A. GRCh37 (hg19) VCF-style: chr15-40702997-G-A.
Other names: c.543+1G>A (NM_001354600.3, NM_001354599.3); c.456+1G>A (NM_001354598.3, NM_001354601.3); c.408+1G>A (NM_001354597.3); c.366+1G>A (NM_001159508.3).
Identifiers: ClinVar variation 3721649 (VCV003721649.2).
Genomic context (GRCh38, chr15:40,410,798, plus strand): 5'-TGCATCAACCAGCTTGTACGCAATGGGAATGAGGCCCAGAAAGAGAAGTATCTCCCGAAG[G>A]TGAGGAAATGGAAATGTAATACACGCTAATCTCACAGTGCAACCACCAACTAAAAGATAC-3'

ClinVar aggregate classification (germline): Likely pathogenic (1 of 4 stars; one submission).

Conditions:
Isovaleryl-CoA dehydrogenase deficiency (IVA). Also called: ISOVALERIC ACID CoA DEHYDROGENASE DEFICIENCY; Isovaleric acidemia; IVD DEFICIENCY; Classic Isovaleric Acidemia. Identifiers: Orphanet 33, MedGen C0268575, MONDO:0009475, OMIM 243500.

Submission:

Labcorp Genetics (formerly Invitae), Labcorp
Classification: Likely pathogenic for Isovaleryl-CoA dehydrogenase deficiency. Last evaluated: 2024-02-29. Review status: criteria provided, single submitter. Criteria: Invitae Variant Classification Sherloc (09022015). Collection method: clinical testing. Allele origin: germline.
Comment: This sequence change affects a donor splice site in intron 4 of the IVD gene. It is expected to disrupt RNA splicing. Variants that disrupt the donor or acceptor splice site typically lead to a loss of protein function (PMID: 16199547), and loss-of-function variants in IVD are known to be pathogenic (PMID: 16602101). This variant is not present in population databases (gnomAD no frequency). Disruption of this splice site has been observed in individual(s) with isovaleric acidemia (PMID: 10677295). Algorithms developed to predict the effect of sequence changes on RNA splicing suggest that this variant may disrupt the consensus splice site. In summary, the currently available evidence indicates that the variant is pathogenic, but additional data are needed to prove that conclusively. Therefore, this variant has been classified as Likely Pathogenic.

Literature cited by the submitters: PubMed 16199547; PubMed 16602101; PubMed 10677295.